The following is an entry in ClinVar:

NM_015959.4(TMX2):c.180C>G (p.Asp60Glu)

Genes: TMX2 (thioredoxin related transmembrane protein 2; plus strand), TMX2-CTNND1 (TMX2-CTNND1 readthrough (NMD candidate); plus strand). Cytogenetic location: 11q12.1.
Variant type: single nucleotide variant.
Coding change: c.180C>G on transcript NM_015959.4 (MANE Select); coding-DNA position 180, C replaced by G.
Protein change: p.Asp60Glu; replaces aspartic acid 60 with glutamic acid.
Molecular consequence: missense variant. On other transcripts: non-coding transcript variant (5), 5 prime UTR variant (3), intron variant (3).
Genome position (GRCh38, 1-based): chr11:57,712,798, C>G. VCF-style: chr11-57712798-C-G. GRCh37 (hg19) VCF-style: chr11-57480270-C-G.
Other names: c.180C>G, p.Asp60Glu (NM_001144012.3, NM_001347890.2, NM_001347898.2); c.-180C>G (NM_001347893.2, NM_001347894.2); c.-230C>G (NM_001347895.2); c.166+14C>G (NM_001347891.2); c.-171+14C>G (NM_001347896.2); c.-19+14C>G (NM_001347892.2); c.180C>G (NM_001347890.1); short protein forms D60E.
Identifiers: ClinVar variation 1209886 (VCV001209886.5), dbSNP rs143908831, ClinGen allele CA6009488.

ClinVar aggregate classification (germline): Conflicting classifications of pathogenicity. Review status: criteria provided, conflicting classifications (1 of 4 stars). 5 submissions from 5 submitters: Uncertain significance (2); Likely benign (1). 2 of the submissions do not count toward it. Last evaluated 2026-03-29.

Conditions:
TMX2-related disorder. Also called: TMX2-related condition.

Allele frequency attached by ClinVar (database versions not stated): gnomAD 0.00087 and 0.00088; gnomAD exomes 0.00108 and 0.00121; TOPMed 0.00079; ExAC 0.00123; ESP Exome Variant Server 0.00185; 1000 Genomes Project 0.00040; 1000 Genomes Project 30x 0.00031.
gnomAD v4.1: 1,884 of 1,614,072 alleles (0.12%); highest among the groups gnomAD compares: Middle Eastern, 0.33%; 2 homozygotes.

Submissions (5):

GeneDx
Classification: Uncertain significance. Last evaluated: 2026-03-29. Review status: criteria provided, single submitter. Criteria: GeneDx Variant Classification Process June 2021. Collection method: clinical testing. Allele origin: germline.
Comment: In silico analysis supports a deleterious effect on splicing; In silico analysis suggests that this missense variant does not alter protein structure/function; Has not been previously published as pathogenic or benign to our knowledge

PreventionGenetics, part of Exact Sciences
Classification: Likely benign for TMX2-related condition. Last evaluated: 2025-09-05. Review status: criteria provided, single submitter. Criteria: ACMG Guidelines, 2015. Collection method: clinical testing. Allele origin: germline.
Comment: This variant is classified as likely benign based on ACMG/AMP sequence variant interpretation guidelines (Richards et al. 2015 PMID: 25741868, with internal and published modifications).

Breakthrough Genomics
Classification: Uncertain significance. Review status: criteria provided, single submitter. Criteria: ACMG Guidelines, 2015. Collection method: not provided. Allele origin: germline. Inheritance: Autosomal recessive inheritance. Affected: yes.

Clinical Genetics DNA and cytogenetics Diagnostics Lab, Erasmus MC, Erasmus Medical Center
Classification: Uncertain significance. Review status: no assertion criteria provided. Collection method: clinical testing. Allele origin: germline. Affected: yes. Study: VKGL Data-share Consensus. Not counted in ClinVar's aggregate classification.

Genome Diagnostics Laboratory, Amsterdam University Medical Center
Classification: Uncertain significance. Review status: no assertion criteria provided. Collection method: clinical testing. Allele origin: germline. Affected: yes. Study: VKGL Data-share Consensus. Not counted in ClinVar's aggregate classification.